The following is an entry in ClinVar:

NM_000287.4(PEX6):c.2470del (p.Arg824fs)

Gene: PEX6 (peroxisomal biogenesis factor 6; minus strand). Cytogenetic location: 6p21.1.
Variant type: Deletion.
Coding change: c.2470del on transcript NM_000287.4 (MANE Select); coding-DNA position 2470, one base deleted (A; older notation c.2470delA).
Protein change: p.Arg824fs; shifts the reading frame from arginine 824.
Molecular consequence: frameshift variant. On other transcripts: non-coding transcript variant (1).
Genome position (GRCh38, 1-based): chr6:42,965,682, T deleted on the plus strand (A on the coding strand, the reverse complement: PEX6 is on the minus strand). VCF-style (leftmost placement, unchanged base first): chr6-42965681-CT-C. GRCh37 (hg19) VCF-style: chr6-42933419-CT-C.
Other names: c.2206del, p.Arg736fs (NM_001316313.2); short protein forms R824fs, R736fs.
Identifiers: ClinVar variation 1356953 (VCV001356953.6), dbSNP rs2114238399, ClinGen allele CA2573140746.

ClinVar aggregate classification (germline): Pathogenic (1 of 4 stars; one submission).

Conditions:
Peroxisome biogenesis disorder. Identifiers: Orphanet 79189, MedGen C1832200, MONDO:0019234. Disease mechanism: loss of function.

Submission:

Labcorp Genetics (formerly Invitae), Labcorp
Classification: Pathogenic for Peroxisome biogenesis disorder. Last evaluated: 2022-08-09. Review status: criteria provided, single submitter. Criteria: Invitae Variant Classification Sherloc (09022015). Collection method: clinical testing. Allele origin: germline.
Comment: For these reasons, this variant has been classified as Pathogenic. Algorithms developed to predict the effect of sequence changes on RNA splicing suggest that this variant may disrupt the consensus splice site. ClinVar contains an entry for this variant (Variation ID: 1356953). This variant has not been reported in the literature in individuals affected with PEX6-related conditions. This variant is not present in population databases (gnomAD no frequency). This sequence change creates a premature translational stop signal (p.Arg824Glyfs*10) in the PEX6 gene. It is expected to result in an absent or disrupted protein product. Loss-of-function variants in PEX6 are known to be pathogenic (PMID: 8670792, 19877282, 21031596).

Literature cited by the submitters: PubMed 8670792; PubMed 19877282; PubMed 21031596.